The following is an entry in ClinVar:

NM_172362.3(KCNH1):c.2669G>A (p.Arg890His)

Gene: KCNH1 (potassium voltage-gated channel subfamily H member 1; minus strand). Cytogenetic location: 1q32.2.
Variant type: single nucleotide variant.
Coding change: c.2669G>A on transcript NM_172362.3 (MANE Select); coding-DNA position 2669, G replaced by A.
Protein change: p.Arg890His; replaces arginine 890 with histidine.
Molecular consequence: missense variant.
Genome position (GRCh38, 1-based): chr1:210,683,582, C>T on the plus strand (G>A on the coding strand, the complement: KCNH1 is on the minus strand). VCF-style: chr1-210683582-C-T. GRCh37 (hg19) VCF-style: chr1-210856924-C-T.
Other names: c.2588G>A, p.Arg863His (NM_002238.4); short protein forms R890H, R863H.
Identifiers: ClinVar variation 2897875 (VCV002897875.3), dbSNP rs768347864, ClinGen allele CA37111551.

ClinVar aggregate classification (germline): Uncertain significance (1 of 4 stars; one submission).

Allele frequency attached by ClinVar (database versions not stated): TOPMed below 0.00001; gnomAD 0.00001.
gnomAD v4.1: 15 of 1,614,036 alleles (0.00093%); highest among the groups gnomAD compares: Middle Eastern, 0.016%; no homozygotes.

Submission:

Labcorp Genetics (formerly Invitae), Labcorp
Classification: Uncertain significance. Last evaluated: 2025-12-16. Review status: criteria provided, single submitter. Criteria: Invitae Variant Classification Sherloc (09022015). Collection method: clinical testing. Allele origin: germline.
Comment: This sequence change replaces arginine, which is basic and polar, with histidine, which is basic and polar, at codon 890 of the KCNH1 protein (p.Arg890His). This variant is present in population databases (rs768347864, gnomAD 0.009%). This variant has not been reported in the literature in individuals affected with KCNH1-related conditions. ClinVar contains an entry for this variant (Variation ID: 2897875). Invitae Evidence Modeling of protein sequence and biophysical properties (such as structural, functional, and spatial information, amino acid conservation, physicochemical variation, residue mobility, and thermodynamic stability) has been performed for this missense variant. However, the output from this modeling did not meet the statistical confidence thresholds required to predict the impact of this variant on KCNH1 protein function. In summary, the available evidence is currently insufficient to determine the role of this variant in disease. Therefore, it has been classified as a Variant of Uncertain Significance.